The following is an entry in ClinVar:

NM_001048174.2(MUTYH):c.1411G>T (p.Gly471Cys)

Gene: MUTYH (mutY DNA glycosylase; minus strand). Cytogenetic location: 1p34.1.
Variant type: single nucleotide variant.
Coding change: c.1411G>T on transcript NM_001048174.2 (MANE Select); coding-DNA position 1411, G replaced by T.
Protein change: p.Gly471Cys; replaces glycine 471 with cysteine.
Molecular consequence: missense variant. On other transcripts: non-coding transcript variant (7).
Genome position (GRCh38, 1-based): chr1:45,330,539, C>A on the plus strand (G>T on the coding strand, the complement: MUTYH is on the minus strand). VCF-style: chr1-45330539-C-A. GRCh37 (hg19) VCF-style: chr1-45796211-C-A.
Other names: c.1411G>T, p.Gly471Cys (NM_001048171.2, NM_001048173.2, NM_001293195.2 and 6 more transcripts); c.1414G>T, p.Gly472Cys (NM_001048172.2, NM_001407071.1, NM_001407078.1 and 1 more transcripts); c.1495G>T, p.Gly499Cys (NM_001128425.2); c.1456G>T, p.Gly486Cys (NM_001293190.2); c.1444G>T, p.Gly482Cys (NM_001293191.2, NM_001407069.1, NM_001407077.1); c.1135G>T, p.Gly379Cys (NM_001293192.2, NM_001293196.2, NM_001407091.1); c.1066G>T, p.Gly356Cys (NM_001350650.2, NM_001350651.2, NM_001407082.1); c.1327G>T, p.Gly443Cys (NM_001407075.1); and 5 more; short protein forms G379C, G486C, G499C, G472C, G482C, G485C, G356C, G443C.
Identifiers: ClinVar variation 4113281 (VCV004113281.1).
Genomic context (GRCh38, chr1:45,330,539, plus strand): 5'-TGGGGAGACACGGTTGGGAGAGGCCTAGGAGACTTACCATACAGGTCCCTGGCTGTTGGC[C>A]CTGATACACACGGAAAACCTAGACAAGAAGACAGGGAGGTGAGGGCTGGCACTTTTTGCA-3'
Protein context (NP_001041639.1, residues 461-481): AMKKVFRVYQ[Gly471Cys]QQPGTCMGSK

ClinVar aggregate classification (germline): Uncertain significance (1 of 4 stars; one submission).

Conditions:
Hereditary cancer-predisposing syndrome. Also called: Tumor predisposition; Neoplastic Syndromes, Hereditary; Hereditary neoplastic syndrome; Hereditary Cancer Syndrome. Identifiers: Orphanet 140162, MedGen C0027672, MeSH D009386, MONDO:0015356.

Submission:

Ambry Genetics
Classification: Uncertain significance for Hereditary cancer-predisposing syndrome. Last evaluated: 2025-08-27. Review status: criteria provided, single submitter. Criteria: Ambry Variant Classification Scheme 2023. Collection method: clinical testing. Allele origin: germline.
Comment: The p.G499C variant (also known as c.1495G>T), located in coding exon 15 of the MUTYH gene, results from a G to T substitution at nucleotide position 1495. The glycine at codon 499 is replaced by cysteine, an amino acid with highly dissimilar properties. This amino acid position is conserved. In addition, this alteration is predicted to be tolerated by in silico analysis. Based on the available evidence, the clinical significance of this variant remains unclear.